The following is an entry in ClinVar:

NM_012062.5(DNM1L):c.457-228C>T

Gene: DNM1L (dynamin 1 like; plus strand). Cytogenetic location: 12p11.21.
Variant type: single nucleotide variant.
Coding change: c.457-228C>T on transcript NM_012062.5 (MANE Select); 228 bases into the intron before coding-DNA position 457, C replaced by T.
Molecular consequence: intron variant.
Genome position (GRCh38, 1-based): chr12:32,712,981, C>T. VCF-style: chr12-32712981-C-T. GRCh37 (hg19) VCF-style: chr12-32865915-C-T.
Other names: c.496-228C>T (NM_001278464.2, NM_001278465.2, NM_001330380.2); c.131+5568C>T (NM_001278466.2); c.457-228C>T (NM_001278463.2, NM_012063.4, NM_005690.5).
Identifiers: ClinVar variation 671780 (VCV000671780.1), dbSNP rs35300066, ClinGen allele CA235242306.

ClinVar aggregate classification (germline): Likely benign (1 of 4 stars; one submission).

Allele frequency attached by ClinVar (database versions not stated): 1000 Genomes Project 0.01258; 1000 Genomes Project 30x 0.01296; TOPMed 0.02457; gnomAD 0.02529 and 0.02602.
gnomAD v4.1: 3,871 of 152,196 alleles (2.5%); highest among the groups gnomAD compares: Middle Eastern, 4.4%; 80 homozygotes.

Submission:

GeneDx
Classification: Likely benign. Last evaluated: 2018-06-16. Review status: criteria provided, single submitter. Criteria: GeneDx Variant Classification (06012015). Collection method: clinical testing. Allele origin: germline. Affected: yes.
Comment: This variant is considered likely benign or benign based on one or more of the following criteria: it is a conservative change, it occurs at a poorly conserved position in the protein, it is predicted to be benign by multiple in silico algorithms, and/or has population frequency not consistent with disease.